The following is an entry in ClinVar:

ClinVar aggregate classification (germline): Benign/Likely benign. Review status: criteria provided, multiple submitters, no conflicts (2 of 4 stars). 4 submissions from 4 submitters: Benign (3); Likely benign (1). Last evaluated 2025-07-29.

Conditions:
Thrombocytopenia 2 (THC2). Also called: ANKRD26-Related Thrombocytopenia. Identifiers: Orphanet 268322, MedGen C1861185, MONDO:0008555, OMIM 188000.

Submissions (5):

Mayo Clinic Laboratories, Mayo Clinic
Classification: Benign. Last evaluated: 2025-07-29. Review status: criteria provided, single submitter. Criteria: ACMG Guidelines, 2015. Collection method: clinical testing. Allele origin: germline. Observed: 292 variant alleles.
Comment: BA1

Blueprint Genetics
Classification: Likely benign. Last evaluated: 2024-11-27. Review status: criteria provided, single submitter. Criteria: ACMG Guidelines, 2015. Collection method: clinical testing. Allele origin: germline.

Genome-Nilou Lab
Classification: Benign for Thrombocytopenia 2. Last evaluated: 2021-12-05. Review status: criteria provided, single submitter. Criteria: ACMG Guidelines, 2015. Collection method: clinical testing. Allele origin: germline. Affected: no.

GeneDx
Classification: Benign. Last evaluated: 2018-10-24. Review status: criteria provided, single submitter. Criteria: GeneDx Variant Classification Process June 2021. Collection method: clinical testing. Allele origin: germline. Affected: yes.

Dr. Peter K. Rogan Lab, Western University
No classification provided (evidence only). Condition: Uterine carcinosarcoma. Review status: no classification provided. Collection method: in vitro. Allele origin: not applicable. Functional consequence: retained intron. Not counted in ClinVar's aggregate classification.

NM_014915.3(ANKRD26):c.1986-3del

Gene: ANKRD26 (ankyrin repeat domain 26; minus strand). Cytogenetic location: 10p12.1.
Variant type: Deletion.
Coding change: c.1986-3del on transcript NM_014915.3 (MANE Select); 3 bases into the intron before coding-DNA position 1986, one base deleted (T; older notation c.1986-3delT).
Molecular consequence: intron variant.
Genome position (GRCh38, 1-based): chr10:27,044,193, A deleted on the plus strand (T on the coding strand, the reverse complement: ANKRD26 is on the minus strand); the first of 12 consecutive A bases (chr10:27,044,193-27,044,204); deleting any one gives the same sequence. VCF-style (leftmost placement, unchanged base first): chr10-27044192-TA-T. GRCh37 (hg19) VCF-style: chr10-27333121-TA-T.
Other names: NC_000010.10:g.27333133del; p.?; c.1983-3del (NM_001256053.2); c.1986-14del (NM_014915.3); c.1986-3del (NM_014915.2).
Identifiers: ClinVar variation 299742 (VCV000299742.10), dbSNP rs113123391, ClinGen allele CA5448337.